The following is an entry in ClinVar:

ClinVar aggregate classification (germline): Conflicting classifications of pathogenicity. Review status: criteria provided, conflicting classifications (1 of 4 stars). 6 submissions from 6 submitters: Uncertain significance (5); Likely benign (1). Last evaluated 2026-09-01.

Conditions:
Congenital myopathy 18. Also called: DIHYDROPYRIDINE RECEPTOR CONGENITAL MYOPATHY; DHPR CONGENITAL MYOPATHY; Myopathy, congenital, due to dihydropyridine receptor defect. Identifiers: MedGen C5830283, MONDO:0859514, OMIM 620246.
Malignant hyperthermia, susceptibility to, 5 (MHS5). Also called: CACNA1S-Related Malignant Hyperthermia Susceptibility. Identifiers: Orphanet 423, MedGen C1866077, MONDO:0011163, OMIM 601887.
Hypokalemic periodic paralysis, type 1. Also called: HypoPP; Hypokalemic Periodic Paralysis Type 1 (AD). Identifiers: Orphanet 681, MedGen C3714580, MONDO:0042979, OMIM 170400.
Thyrotoxic periodic paralysis, susceptibility to, 1 (TTPP1). Identifiers: Orphanet 79102, MedGen C2749982, MONDO:0008570, OMIM 188580.

Allele frequency attached by ClinVar (database versions not stated): TOPMed 0.00003; gnomAD 0.00005 and 0.00006; gnomAD exomes 0.00005; ExAC 0.00006.
gnomAD v4.1: 85 of 1,614,030 alleles (0.0053%); highest among the groups gnomAD compares: Non-Finnish European, 0.007%; no homozygotes.

Submissions (6):

CeGaT Center for Human Genetics Tuebingen
Classification: Uncertain significance. Last evaluated: 2026-09-01. Review status: criteria provided, single submitter. Criteria: CeGaT Center For Human Genetics Tuebingen Variant Classification Criteria Version 2. Collection method: clinical testing. Allele origin: germline. Affected: yes. Observed: 2 variant alleles.
Comment: CACNA1S: PM2, BP4

Labcorp Genetics (formerly Invitae), Labcorp
Classification: Uncertain significance for Hypokalemic periodic paralysis, type 1; Malignant hyperthermia, susceptibility to, 5. Last evaluated: 2025-12-24. Review status: criteria provided, single submitter. Criteria: Invitae Variant Classification Sherloc (09022015). Collection method: clinical testing. Allele origin: germline.
Comment: This sequence change falls in intron 3 of the CACNA1S gene. It does not directly change the encoded amino acid sequence of the CACNA1S protein. It affects a nucleotide within the consensus splice site. This variant is present in population databases (rs764710968, gnomAD 0.01%). This variant has not been reported in the literature in individuals affected with CACNA1S-related conditions. ClinVar contains an entry for this variant (Variation ID: 294779). Variants that disrupt the consensus splice site are a relatively common cause of aberrant splicing (PMID: 17576681, 9536098). Algorithms developed to predict the effect of sequence changes on RNA splicing suggest that this variant is not likely to affect RNA splicing. In summary, the available evidence is currently insufficient to determine the role of this variant in disease. Therefore, it has been classified as a Variant of Uncertain Significance.

All of Us Research Program, National Institutes of Health
Classification: Uncertain significance for Malignant hyperthermia, susceptibility to, 5. Last evaluated: 2024-07-29. Review status: criteria provided, single submitter. Criteria: ACMG Guidelines, 2015. Collection method: clinical testing. Allele origin: germline. Inheritance: Autosomal dominant inheritance. Observed: 31 variant alleles, 31 heterozygotes.
Comment: This variant causes a G to A nucleotide substitution at the +3 position of intron 3 of the CACNA1S gene. To our knowledge, functional studies have not been reported for this variant. This variant has not been reported in individuals affected with CACNA1S-related disorders in the literature. This variant has been identified in 12/251482 chromosomes in the general population by the Genome Aggregation Database (gnomAD). The available evidence is insufficient to determine the role of this variant in disease conclusively. Therefore, this variant is classified as a Variant of Uncertain Significance.

This study involves interpretation of variants in research participants for the purpose of population health screening. Participant phenotype was not available at the time of variant classification. Additional details can be found in publication PMID: 35346344, PMCID: PMC8962531

Color Diagnostics, LLC DBA Color Health
Classification: Uncertain significance for Malignant hyperthermia, susceptibility to, 5. Last evaluated: 2024-07-17. Review status: criteria provided, single submitter. Criteria: ACMG Guidelines, 2015. Collection method: clinical testing. Allele origin: germline.
Comment: This variant causes a G to A nucleotide substitution at the +3 position of intron 3 of the CACNA1S gene. To our knowledge, functional studies have not been reported for this variant. This variant has not been reported in individuals affected with CACNA1S-related disorders in the literature. This variant has been identified in 12/251482 chromosomes in the general population by the Genome Aggregation Database (gnomAD). The available evidence is insufficient to determine the role of this variant in disease conclusively. Therefore, this variant is classified as a Variant of Uncertain Significance.

Fulgent Genetics
Classification: Uncertain significance for Hypokalemic periodic paralysis, type 1; Thyrotoxic periodic paralysis, susceptibility to, 1; Malignant hyperthermia, susceptibility to, 5; Congenital myopathy 18. Last evaluated: 2024-03-02. Review status: criteria provided, single submitter. Criteria: ACMG Guidelines, 2015. Collection method: clinical testing. Allele origin: germline.

GeneDx
Classification: Likely benign. Last evaluated: 2020-12-17. Review status: criteria provided, single submitter. Criteria: GeneDx Variant Classification Process June 2021. Collection method: clinical testing. Allele origin: germline. Affected: yes.

Literature cited by the submitters: PubMed 17576681 (cited by Labcorp Genetics (formerly Invitae), Labcorp); PubMed 9536098 (cited by Labcorp Genetics (formerly Invitae), Labcorp).

NM_000069.3(CACNA1S):c.398+3G>A

Gene: CACNA1S (calcium voltage-gated channel subunit alpha1 S; minus strand). Cytogenetic location: 1q32.1.
Variant type: single nucleotide variant.
Coding change: c.398+3G>A on transcript NM_000069.3 (MANE Select); 3 bases into the intron after coding-DNA position 398, G replaced by A.
Molecular consequence: intron variant.
Genome position (GRCh38, 1-based): chr1:201,093,879, C>T on the plus strand (G>A on the coding strand, the complement: CACNA1S is on the minus strand). VCF-style: chr1-201093879-C-T. GRCh37 (hg19) VCF-style: chr1-201063007-C-T.
Identifiers: ClinVar variation 294779 (VCV000294779.53), dbSNP rs764710968, ClinGen allele CA083015.